The following is an entry in ClinVar:

ClinVar aggregate classification (germline): Uncertain significance. Review status: criteria provided, multiple submitters, no conflicts (2 of 4 stars). 2 submissions from 2 submitters: Uncertain significance (2). Last evaluated 2025-12-21.

Conditions:
Inborn genetic diseases. Identifiers: MedGen C0950123, MeSH D030342.
Charcot-Marie-Tooth disease type 2. Also called: Charcot-Marie-Tooth type 2. Identifiers: Orphanet 64746, MedGen C0270914, MONDO:0018993.

Allele frequency attached by ClinVar (database versions not stated): ExAC 0.00001.
gnomAD v4.1: 29 of 1,614,058 alleles (0.0018%); highest among the groups gnomAD compares: South Asian, 0.013%; no homozygotes.

Submissions (2):

Labcorp Genetics (formerly Invitae), Labcorp
Classification: Uncertain significance for Charcot-Marie-Tooth disease type 2. Last evaluated: 2025-12-21. Review status: criteria provided, single submitter. Criteria: Invitae Variant Classification Sherloc (09022015). Collection method: clinical testing. Allele origin: germline.
Comment: This sequence change replaces valine, which is neutral and non-polar, with methionine, which is neutral and non-polar, at codon 740 of the AARS protein (p.Val740Met). This variant is present in population databases (rs749217453, gnomAD 0.01%). This variant has not been reported in the literature in individuals affected with AARS-related conditions. ClinVar contains an entry for this variant (Variation ID: 939266). Invitae Evidence Modeling of protein sequence and biophysical properties (such as structural, functional, and spatial information, amino acid conservation, physicochemical variation, residue mobility, and thermodynamic stability) indicates that this missense variant is not expected to disrupt AARS protein function with a negative predictive value of 95%. In summary, the available evidence is currently insufficient to determine the role of this variant in disease. Therefore, it has been classified as a Variant of Uncertain Significance.

Ambry Genetics
Classification: Uncertain significance for Inborn genetic diseases. Last evaluated: 2020-06-30. Review status: criteria provided, single submitter. Criteria: Ambry Variant Classification Scheme 2023. Collection method: clinical testing. Allele origin: germline.
Comment: The p.V740M variant (also known as c.2218G>A), located in coding exon 15 of the AARS gene, results from a G to A substitution at nucleotide position 2218. The valine at codon 740 is replaced by methionine, an amino acid with highly similar properties. This amino acid position is highly conserved in available vertebrate species. In addition, the in silico prediction for this alteration is inconclusive. Since supporting evidence is limited at this time, the clinical significance of this alteration remains unclear.

NM_001605.3(AARS1):c.2218G>A (p.Val740Met)

Gene: AARS1 (alanyl-tRNA synthetase 1; minus strand). Cytogenetic location: 16q22.1.
Variant type: single nucleotide variant.
Coding change: c.2218G>A on transcript NM_001605.3 (MANE Select); coding-DNA position 2218, G replaced by A.
Protein change: p.Val740Met; replaces valine 740 with methionine.
Molecular consequence: missense variant.
Genome position (GRCh38, 1-based): chr16:70,255,796, C>T on the plus strand (G>A on the coding strand, the complement: AARS1 is on the minus strand). VCF-style: chr16-70255796-C-T. GRCh37 (hg19) VCF-style: chr16-70289699-C-T.
Other names: short protein forms V740M.
Identifiers: ClinVar variation 939266 (VCV000939266.9), dbSNP rs749217453, ClinGen allele CA8140513.
Genomic context (GRCh38, chr16:70,255,796, plus strand): 5'-CCTCGGCACCTGTGACAGCCACAATCCTCCGGATACCCTTGGCAATGGCTTCTTCCGTCA[C>T]GATCACAAAAGCTCCTGCATGACTCGAGTTCCGCAGGTGCCTGAATGGCAGAACACAAAG-3'
Protein context (NP_001596.2, residues 730-750): NSSHAGAFVI[Val740Met]TEEAIAKGIR